The following is an entry in ClinVar:

NM_001042492.3(NF1):c.5537G>T (p.Arg1846Leu)

Gene: NF1 (neurofibromin 1; plus strand). Cytogenetic location: 17q11.2.
Variant type: single nucleotide variant.
Coding change: c.5537G>T on transcript NM_001042492.3 (MANE Select); coding-DNA position 5537, G replaced by T.
Protein change: p.Arg1846Leu; replaces arginine 1846 with leucine.
Molecular consequence: missense variant.
Genome position (GRCh38, 1-based): chr17:31,327,767, G>T. VCF-style: chr17-31327767-G-T. GRCh37 (hg19) VCF-style: chr17-29654785-G-T.
Other names: c.5474G>T, p.Arg1825Leu (NM_000267.4); short protein forms R1825L, R1846L.
Identifiers: ClinVar variation 2131170 (VCV002131170.4), dbSNP rs2069384348, ClinGen allele CA399009806.

ClinVar aggregate classification (germline): Uncertain significance (1 of 4 stars; one submission).

Conditions:
Neurofibromatosis, type 1 (NF1). Also called: Peripheral type neurofibromatosis; NEUROFIBROMATOSIS, TYPE I, SOMATIC; Neurofibromatosis, type I; VON RECKLINGHAUSEN DISEASE. Identifiers: Orphanet 636, MedGen C0027831, MONDO:0018975, OMIM 162200. Disease mechanism: loss of function.

Submission:

Labcorp Genetics (formerly Invitae), Labcorp
Classification: Uncertain significance for Neurofibromatosis, type 1. Last evaluated: 2022-04-28. Review status: criteria provided, single submitter. Criteria: Invitae Variant Classification Sherloc (09022015). Collection method: clinical testing. Allele origin: germline.
Comment: This variant has not been reported in the literature in individuals affected with NF1-related conditions. This variant is not present in population databases (gnomAD no frequency). This sequence change replaces arginine, which is basic and polar, with leucine, which is neutral and non-polar, at codon 1825 of the NF1 protein (p.Arg1825Leu). Advanced modeling of protein sequence and biophysical properties (such as structural, functional, and spatial information, amino acid conservation, physicochemical variation, residue mobility, and thermodynamic stability) performed at Invitae indicates that this missense variant is expected to disrupt NF1 protein function. In summary, the available evidence is currently insufficient to determine the role of this variant in disease. Therefore, it has been classified as a Variant of Uncertain Significance.